The following is an entry in ClinVar:

NM_006420.3(ARFGEF2):c.5238C>T (p.Asp1746=)

Gene: ARFGEF2 (ARF guanine nucleotide exchange factor 2; plus strand). Cytogenetic location: 20q13.13.
Variant type: single nucleotide variant.
Coding change: c.5238C>T on transcript NM_006420.3 (MANE Select); coding-DNA position 5238, C replaced by T.
Protein change: p.Asp1746=; no amino-acid change (aspartic acid 1746 retained).
Molecular consequence: synonymous variant.
Genome position (GRCh38, 1-based): chr20:49,033,079, C>T. VCF-style: chr20-49033079-C-T. GRCh37 (hg19) VCF-style: chr20-47649616-C-T.
Identifiers: ClinVar variation 1302151 (VCV001302151.9), dbSNP rs371687802, ClinGen allele CA9899437.

ClinVar aggregate classification (germline): Conflicting classifications of pathogenicity. Review status: criteria provided, conflicting classifications (1 of 4 stars). 2 submissions from 2 submitters: Uncertain significance (1); Likely benign (1). Last evaluated 2022-01-20.

Allele frequency attached by ClinVar (database versions not stated): gnomAD exomes 0.00002 and 0.00005; gnomAD 0.00003; ExAC 0.00004; ESP Exome Variant Server 0.00008; TOPMed 0.00008.
gnomAD v4.1: 30 of 1,614,096 alleles (0.0019%); highest among the groups gnomAD compares: African/African-American, 0.0027%; no homozygotes.

Submissions (2):

Labcorp Genetics (formerly Invitae), Labcorp
Classification: Likely benign. Last evaluated: 2022-01-20. Review status: criteria provided, single submitter. Criteria: Invitae Variant Classification Sherloc (09022015). Collection method: clinical testing. Allele origin: germline.

GeneDx
Classification: Uncertain significance. Last evaluated: 2019-05-21. Review status: criteria provided, single submitter. Criteria: GeneDx Variant Classification Process June 2021. Collection method: clinical testing. Allele origin: germline. Affected: yes.
Comment: Not observed at a significant frequency in large population cohorts (Lek et al., 2016); In silico analysis, which includes splice predictors and evolutionary conservation, supports that this variant does not alter protein structure/function; Has not been previously published as pathogenic or benign to our knowledge